The following is an entry in ClinVar:

ClinVar aggregate classification (germline): Likely benign (1 of 4 stars; one submission).

Allele frequency attached by ClinVar (database versions not stated): gnomAD exomes below 0.00001.
gnomAD v4.1: 4 of 1,607,942 alleles (0.00025%); highest among the groups gnomAD compares: Admixed American, 0.0033%; no homozygotes.

Submission:

GeneDx
Classification: Likely benign. Last evaluated: 2016-03-31. Review status: criteria provided, single submitter. Criteria: GeneDx Variant Classification (06012015). Collection method: clinical testing. Allele origin: germline. Affected: yes.
Comment: This variant is considered likely benign or benign based on one or more of the following criteria: it is a conservative change, it occurs at a poorly conserved position in the protein, it is predicted to be benign by multiple in silico algorithms, and/or has population frequency not consistent with disease.

NM_052845.4(MMAB):c.348+19C>T

Gene: MMAB (metabolism of cobalamin associated B; minus strand). Cytogenetic location: 12q24.11.
Variant type: single nucleotide variant.
Coding change: c.348+19C>T on transcript NM_052845.4 (MANE Select); 19 bases into the intron after coding-DNA position 348, C replaced by T.
Molecular consequence: intron variant.
Genome position (GRCh38, 1-based): chr12:109,565,100, G>A on the plus strand (C>T on the coding strand, the complement: MMAB is on the minus strand). VCF-style: chr12-109565100-G-A. GRCh37 (hg19) VCF-style: chr12-110002905-G-A.
Identifiers: ClinVar variation 385039 (VCV000385039.1), dbSNP rs1057522102, ClinGen allele CA16606446.
Genomic context (GRCh38, chr12:109,565,100, plus strand): 5'-AACTGGTGGCTGGATGCTGAGTCCCGTGATGGCCACCGGGGCTGAAGATTCCCAGCTTGG[G>A]TGAGATGGTGTTACTCACTTTCTGAAGCTCTTCGGCAAATGTATGGCCCTTTTCTGTGAC-3'